The following is an entry in ClinVar:

ClinVar aggregate classification (germline): Conflicting classifications of pathogenicity. Review status: criteria provided, conflicting classifications (1 of 4 stars). 3 submissions from 3 submitters: Likely pathogenic (1); Uncertain significance (1). 1 of the submissions does not count toward it. Last evaluated 2026-09-01.

Conditions:
Dilated cardiomyopathy 1G (CMD1G). Identifiers: Orphanet 154, MedGen C1858763, MONDO:0011400, OMIM 604145.
Autosomal recessive limb-girdle muscular dystrophy type 2J (LGMDR10). Also called: Limb-girdle muscular dystrophy, type 2J; MUSCULAR DYSTROPHY, LIMB-GIRDLE, AUTOSOMAL RECESSIVE 10. Identifiers: Orphanet 140922, MedGen C1837342, MONDO:0012127, OMIM 608807.

Submissions (3):

CeGaT Center for Human Genetics Tuebingen
Classification: Uncertain significance. Last evaluated: 2026-09-01. Review status: criteria provided, single submitter. Criteria: CeGaT Center For Human Genetics Tuebingen Variant Classification Criteria Version 2. Collection method: clinical testing. Allele origin: germline. Affected: yes. Observed: 1 variant allele.
Comment: TTN: PM2

Labcorp Genetics (formerly Invitae), Labcorp
Classification: Likely pathogenic for Dilated cardiomyopathy 1G; Autosomal recessive limb-girdle muscular dystrophy type 2J. Last evaluated: 2025-03-25. Review status: criteria provided, single submitter. Criteria: Invitae Variant Classification Sherloc (09022015). Collection method: clinical testing. Allele origin: germline.
Comment: This sequence change creates a premature translational stop signal (p.Phe5359Leufs*28) in the TTN gene. While this is not anticipated to result in nonsense mediated decay, it is expected to create a truncated TTN protein. This variant is not present in population databases (gnomAD no frequency). This premature translational stop signal has been observed in individual(s) with dilated cardiomyopathy (PMID: 27532257). ClinVar contains an entry for this variant (Variation ID: 1035321). This variant is located in the I band of TTN (PMID: 25589632). Truncating variants in this region have been reported in individuals affected with autosomal recessive centronuclear myopathy (PMID: 23975875, internal data). Truncating variants in this region have also been identified in individuals affected with autosomal dominant dilated cardiomyopathy and/or cardio-related conditions (PMID: 27869827, 32964742, internal data). In summary, the currently available evidence indicates that the variant is pathogenic, but additional data are needed to prove that conclusively. Therefore, this variant has been classified as Likely Pathogenic.

Department of Pathology and Laboratory Medicine, Sinai Health System
Classification: Uncertain significance. Review status: no assertion criteria provided. Collection method: clinical testing. Allele origin: unknown. Affected: yes. Study: The Canadian Open Genetics Repository (COGR). Not counted in ClinVar's aggregate classification.
Comment: The TTN p.Phe4115Leufs*28 variant was not identified in the literature nor was it identified in dbSNP, ClinVar, LOVD 3.0 or in the following control databases: the 1000 Genomes Project, the NHLBI GO Exome Sequencing Project, or the Genome Aggregation Database (March 6, 2019, v2.1.1). The c.12345del variant is predicted to cause a frameshift, which alters the protein's amino acid sequence beginning at codon 4115 and leads to a premature stop codon at position 28. This alteration is then predicted to result in a truncated or absent protein and loss of function. However, it is unclear how loss of function variants in this region of the TTN gene contribute to disease. The variant occurs outside of the splicing consensus sequence and in silico or computational prediction software programs (SpliceSiteFinder, MaxEntScan, NNSPLICE, GeneSplicer) do not predict a difference in splicing. In summary, based on the above information the clinical significance of this variant cannot be determined with certainty at this time. This variant is classified as a variant of uncertain significance.

Literature cited by the submitters: PubMed 27532257 (cited by Labcorp Genetics (formerly Invitae), Labcorp); PubMed 25589632 (cited by Labcorp Genetics (formerly Invitae), Labcorp); PubMed 23975875 (cited by Labcorp Genetics (formerly Invitae), Labcorp); PubMed 27869827 (cited by Labcorp Genetics (formerly Invitae), Labcorp); PubMed 32964742 (cited by Labcorp Genetics (formerly Invitae), Labcorp).

NM_001267550.2(TTN):c.16077del (p.Phe5359fs)

Gene: TTN (titin; minus strand). Cytogenetic location: 2q31.2.
Variant type: Deletion.
Coding change: c.16077del on transcript NM_001267550.2 (MANE Select); coding-DNA position 16077, one base deleted (T; older notation c.16077delT).
Protein change: p.Phe5359fs; shifts the reading frame from phenylalanine 5359.
Molecular consequence: frameshift variant. On other transcripts: intron variant (3).
Genome position (GRCh38, 1-based): chr2:178,733,099, A deleted on the plus strand (T on the coding strand, the reverse complement: TTN is on the minus strand); the first of 6 consecutive A bases (chr2:178,733,099-178,733,104); deleting any one gives the same sequence. VCF-style (leftmost placement, unchanged base first): chr2-178733098-TA-T. GRCh37 (hg19) VCF-style: chr2-179597825-TA-T.
Other names: c.15126del, p.Phe5042fs (NM_001256850.1); c.12345del, p.Phe4115fs (NM_133378.4); c.13282+4983del (NM_003319.4); c.13858+4983del (NM_133437.4); c.13657+4983del (NM_133432.3); short protein forms F5359fs, F4115fs, F5042fs.
Identifiers: ClinVar variation 1035321 (VCV001035321.11), dbSNP rs2080842093, ClinGen allele CA645521649.